The following is an entry in ClinVar:

NM_016373.4(WWOX):c.1216C>T (p.Gln406Ter)

Genes: MAF (MAF bZIP transcription factor; minus strand), WWOX (WW domain containing oxidoreductase; plus strand). Cytogenetic location: 16q23.2.
Variant type: single nucleotide variant.
Coding change: c.1216C>T on transcript NM_016373.4 (MANE Select); coding-DNA position 1216, C replaced by T.
Protein change: p.Gln406Ter; replaces glutamine 406 with a stop codon.
Molecular consequence: nonsense.
Genome position (GRCh38, 1-based): chr16:79,211,767, C>T. VCF-style: chr16-79211767-C-T. GRCh37 (hg19) VCF-style: chr16-79245664-C-T.
Other names: c.877C>T, p.Gln293Ter (NM_001291997.2); short protein forms Q293*, Q406*.
Identifiers: ClinVar variation 838762 (VCV000838762.8), dbSNP rs1197462916, ClinGen allele CA396537307.

ClinVar aggregate classification (germline): Uncertain significance (1 of 4 stars; one submission).

Conditions:
Developmental and epileptic encephalopathy, 1 (DEE1). Also called: INFANTILE SPASM SYNDROME, X-LINKED 1; Epileptic encephalopathy, early infantile, 1; X-linked infantile spasms; West's syndrome; Tonic spasms with clustering, arrest of psychomotor development and hypsarrhythmia on EEG; X-Linked Infantile Spasm Syndrome. Identifiers: MedGen C3463992, MONDO:0010632, OMIM 308350. Disease mechanism: loss of function.
Autosomal recessive spinocerebellar ataxia 12. Also called: SPINOCEREBELLAR ATAXIA WITH MENTAL RETARDATION AND EPILEPSY. Identifiers: Orphanet 284282, MedGen C3280452, MONDO:0013687, OMIM 614322.

Allele frequency attached by ClinVar (database versions not stated): TOPMed below 0.00001; gnomAD 0.00001.
gnomAD v4.1: 3 of 1,614,030 alleles (0.00019%); highest among the groups gnomAD compares: Non-Finnish European, 0.00025%; no homozygotes.

Submission:

Labcorp Genetics (formerly Invitae), Labcorp
Classification: Uncertain significance for Developmental and epileptic encephalopathy, 1; Autosomal recessive spinocerebellar ataxia 12. Last evaluated: 2020-02-24. Review status: criteria provided, single submitter. Criteria: Invitae Variant Classification Sherloc (09022015). Collection method: clinical testing. Allele origin: germline.
Comment: This sequence change results in a premature translational stop signal in the WWOX gene (p.Gln406*). While this is not anticipated to result in nonsense mediated decay, it is expected to disrupt the last 9 amino acids of the WWOX protein. This variant is not present in population databases (ExAC no frequency). This variant has not been reported in the literature in individuals with WWOX-related conditions. Experimental studies and prediction algorithms are not available for this variant, and the functional significance of the affected amino acid(s) is currently unknown. In summary, the available evidence is currently insufficient to determine the role of this variant in disease. Therefore, it has been classified as a Variant of Uncertain Significance.